The following is an entry in ClinVar:

NM_022047.4(DEF6):c.1085A>T (p.Gln362Leu)

Gene: DEF6 (DEF6 guanine nucleotide exchange factor; plus strand). Cytogenetic location: 6p21.31.
Variant type: single nucleotide variant.
Coding change: c.1085A>T on transcript NM_022047.4 (MANE Select); coding-DNA position 1085, A replaced by T.
Protein change: p.Gln362Leu; replaces glutamine 362 with leucine.
Molecular consequence: missense variant.
Genome position (GRCh38, 1-based): chr6:35,318,341, A>T. VCF-style: chr6-35318341-A-T. GRCh37 (hg19) VCF-style: chr6-35286118-A-T.
Other names: c.1085A>T (NM_022047.3); short protein forms Q362L.
Identifiers: ClinVar variation 1938817 (VCV001938817.3), dbSNP rs1367970012, ClinGen allele CA363766757.
Genomic context (GRCh38, chr6:35,318,341, plus strand): 5'-CCAAGGAAGAGGAGCTGCTGCGGCTGCAGCAGCTGCAGGAGGAGAAGGAGCGGAAGCTGC[A>T]GGAGCTGGAGCTGCTGCAGGAGGCGCAGCGGCAGGCCGAGCGGCTGCTGCAGGAGGAGGA-3'
Protein context (NP_071330.3, residues 352-372): QLQEEKERKL[Gln362Leu]ELELLQEAQR

ClinVar aggregate classification (germline): Uncertain significance. Review status: criteria provided, multiple submitters, no conflicts (2 of 4 stars). 2 submissions from 2 submitters: Uncertain significance (2). Last evaluated 2023-12-20.

Allele frequency attached by ClinVar (database versions not stated): gnomAD exomes 0.00001; gnomAD 0.00003.
gnomAD v4.1: 20 of 1,544,514 alleles (0.0013%); highest among the groups gnomAD compares: Non-Finnish European, 0.0017%; no homozygotes.

Submissions (2):

Ambry Genetics
Classification: Uncertain significance. Last evaluated: 2023-12-20. Review status: criteria provided, single submitter. Criteria: Ambry Variant Classification Scheme 2023. Collection method: clinical testing. Allele origin: germline.

Labcorp Genetics (formerly Invitae), Labcorp
Classification: Uncertain significance. Last evaluated: 2022-09-01. Review status: criteria provided, single submitter. Criteria: Invitae Variant Classification Sherloc (09022015). Collection method: clinical testing. Allele origin: germline.
Comment: This sequence change replaces glutamine, which is neutral and polar, with leucine, which is neutral and non-polar, at codon 362 of the DEF6 protein (p.Gln362Leu). The frequency data for this variant in the population databases is considered unreliable, as metrics indicate poor data quality at this position in the gnomAD database. This variant has not been reported in the literature in individuals affected with DEF6-related conditions. Algorithms developed to predict the effect of missense changes on protein structure and function (SIFT, PolyPhen-2, Align-GVGD) all suggest that this variant is likely to be tolerated. In summary, the available evidence is currently insufficient to determine the role of this variant in disease. Therefore, it has been classified as a Variant of Uncertain Significance.